The following is an entry in ClinVar:

NM_001242957.3(MAK):c.815G>A (p.Arg272Gln)

Gene: MAK (male germ cell associated kinase; minus strand). Cytogenetic location: 6p24.2.
Variant type: single nucleotide variant.
Coding change: c.815G>A on transcript NM_001242957.3 (MANE Select); coding-DNA position 815, G replaced by A.
Protein change: p.Arg272Gln; replaces arginine 272 with glutamine.
Molecular consequence: missense variant. On other transcripts: non-coding transcript variant (2).
Genome position (GRCh38, 1-based): chr6:10,801,908, C>T on the plus strand (G>A on the coding strand, the complement: MAK is on the minus strand). VCF-style: chr6-10801908-C-T. GRCh37 (hg19) VCF-style: chr6-10802141-C-T.
Other names: c.815G>A, p.Arg272Gln (NM_001242385.2, NM_005906.6); c.713G>A, p.Arg238Gln (NM_001377262.1); short protein forms R272Q, R238Q.
Identifiers: ClinVar variation 1900332 (VCV001900332.2), dbSNP rs765675052, ClinGen allele CA3633627.

ClinVar aggregate classification (germline): Uncertain significance (1 of 4 stars; one submission).

Allele frequency attached by ClinVar (database versions not stated): TOPMed below 0.00001; ExAC 0.00001; gnomAD exomes 0.00001.
gnomAD v4.1: 4 of 1,614,020 alleles (0.00025%); highest among the groups gnomAD compares: Admixed American, 0.0033%; no homozygotes.

Submission:

Labcorp Genetics (formerly Invitae), Labcorp
Classification: Uncertain significance. Last evaluated: 2022-07-25. Review status: criteria provided, single submitter. Criteria: Invitae Variant Classification Sherloc (09022015). Collection method: clinical testing. Allele origin: germline.
Comment: This sequence change replaces arginine, which is basic and polar, with glutamine, which is neutral and polar, at codon 272 of the MAK protein (p.Arg272Gln). This variant is present in population databases (rs765675052, gnomAD 0.003%). This variant has not been reported in the literature in individuals affected with MAK-related conditions. Advanced modeling of protein sequence and biophysical properties (such as structural, functional, and spatial information, amino acid conservation, physicochemical variation, residue mobility, and thermodynamic stability) performed at Invitae indicates that this missense variant is expected to disrupt MAK protein function. In summary, the available evidence is currently insufficient to determine the role of this variant in disease. Therefore, it has been classified as a Variant of Uncertain Significance.